The following is an entry in ClinVar:

ClinVar aggregate classification (germline): Uncertain significance (1 of 4 stars; one submission).

Conditions:
Familial adenomatous polyposis 1 (FAP1). Also called: FAMILIAL ADENOMATOUS POLYPOSIS 1, ATTENUATED; POLYPOSIS, ADENOMATOUS INTESTINAL. Identifiers: MedGen C2713442, MONDO:0021056, OMIM 175100. Disease mechanism: loss of function.

Submission:

Labcorp Genetics (formerly Invitae), Labcorp
Classification: Uncertain significance for Familial adenomatous polyposis 1. Last evaluated: 2022-10-25. Review status: criteria provided, single submitter. Criteria: Invitae Variant Classification Sherloc (09022015). Collection method: clinical testing. Allele origin: germline.
Comment: In summary, the available evidence is currently insufficient to determine the role of this variant in disease. Therefore, it has been classified as a Variant of Uncertain Significance. Algorithms developed to predict the effect of missense changes on protein structure and function (SIFT, PolyPhen-2, Align-GVGD) all suggest that this variant is likely to be disruptive. This variant has not been reported in the literature in individuals affected with APC-related conditions. This variant is not present in population databases (gnomAD no frequency). This sequence change replaces leucine, which is neutral and non-polar, with serine, which is neutral and polar, at codon 665 of the APC protein (p.Leu665Ser).

NM_000038.6(APC):c.1994T>C (p.Leu665Ser)

Gene: APC (APC regulator of Wnt signaling pathway; plus strand). Cytogenetic location: 5q22.2.
Variant type: single nucleotide variant.
Coding change: c.1994T>C on transcript NM_000038.6 (MANE Select); coding-DNA position 1994, T replaced by C.
Protein change: p.Leu665Ser; replaces leucine 665 with serine.
Molecular consequence: missense variant. On other transcripts: non-coding transcript variant (2).
Genome position (GRCh38, 1-based): chr5:112,837,588, T>C. VCF-style: chr5-112837588-T-C. GRCh37 (hg19) VCF-style: chr5-112173285-T-C.
Other names: c.1994T>C, p.Leu665Ser (NM_001127510.3, NM_001354895.2, NM_001407450.1); c.1940T>C, p.Leu647Ser (NM_001127511.3); c.2048T>C, p.Leu683Ser (NM_001354896.2, NM_001407447.1, NM_001407448.1 and 1 more transcripts); c.2024T>C, p.Leu675Ser (NM_001354897.2); c.1919T>C, p.Leu640Ser (NM_001354898.2); c.1910T>C, p.Leu637Ser (NM_001354899.2); c.1871T>C, p.Leu624Ser (NM_001354900.2); c.1817T>C, p.Leu606Ser (NM_001354901.2, NM_001407453.1); and 11 more; short protein forms L382S, L582S, L647S, L665S, L505S, L539S, L564S, L574S.
Identifiers: ClinVar variation 3023503 (VCV003023503.1), dbSNP rs1765084859, ClinGen allele CA16025673.